The following is an entry in ClinVar:

NM_000384.3(APOB):c.16C>A (p.Pro6Thr)

Genes: APOB (apolipoprotein B; minus strand), LOC106560211 (APOB 5' regulatory region; plus strand). Cytogenetic location: 2p24.1.
Variant type: single nucleotide variant.
Coding change: c.16C>A on transcript NM_000384.3 (MANE Select); coding-DNA position 16, C replaced by A.
Protein change: p.Pro6Thr; replaces proline 6 with threonine.
Molecular consequence: missense variant.
Genome position (GRCh38, 1-based): chr2:21,043,930, G>T on the plus strand (C>A on the coding strand, the complement: APOB is on the minus strand). VCF-style: chr2-21043930-G-T. GRCh37 (hg19) VCF-style: chr2-21266802-G-T.
Other names: short protein forms P6T.
Identifiers: ClinVar variation 3762310 (VCV003762310.2).

ClinVar aggregate classification (germline): Uncertain significance (1 of 4 stars; one submission).

Conditions:
Familial hypobetalipoproteinemia 1. Also called: APOB-Related Familial Hypobetalipoproteinemia; Hypobetalipoproteinemia, normotriglyceridemic; Acanthocytosis with hypobetalipoproteinemia. Identifiers: MedGen C4551990, MONDO:0014252, OMIM 615558.
Hypercholesterolemia, autosomal dominant, type B (FHCL2). Also called: Familial Hypercholesterolemia Type B; APOLIPOPROTEIN B-100, FAMILIAL DEFECTIVE; APOLIPOPROTEIN B-100, FAMILIAL LIGAND-DEFECTIVE; HYPERCHOLESTEROLEMIA, FAMILIAL, DUE TO LIGAND-DEFECTIVE APOLIPOPROTEIN B; Hyperlipoproteinemia Type IIb; Familial hypercholesterolemia 2. Identifiers: MedGen C1704417, MONDO:0007751, OMIM 144010.

Submission:

Labcorp Genetics (formerly Invitae), Labcorp
Classification: Uncertain significance for Familial hypobetalipoproteinemia 1; Hypercholesterolemia, autosomal dominant, type B. Last evaluated: 2024-12-25. Review status: criteria provided, single submitter. Criteria: Invitae Variant Classification Sherloc (09022015). Collection method: clinical testing. Allele origin: germline.
Comment: This sequence change replaces proline, which is neutral and non-polar, with threonine, which is neutral and polar, at codon 6 of the APOB protein (p.Pro6Thr). This variant is not present in population databases (gnomAD no frequency). This variant has not been reported in the literature in individuals affected with APOB-related conditions. Invitae Evidence Modeling of protein sequence and biophysical properties (such as structural, functional, and spatial information, amino acid conservation, physicochemical variation, residue mobility, and thermodynamic stability) indicates that this missense variant is not expected to disrupt APOB protein function with a negative predictive value of 95%. In summary, the available evidence is currently insufficient to determine the role of this variant in disease. Therefore, it has been classified as a Variant of Uncertain Significance.